The following is an entry in ClinVar:

ClinVar aggregate classification (germline): Uncertain significance (1 of 4 stars; one submission).

Conditions:
Inborn genetic diseases. Identifiers: MedGen C0950123, MeSH D030342.

Submission:

Ambry Genetics
Classification: Uncertain significance for Inborn genetic diseases. Last evaluated: 2026-03-30. Review status: criteria provided, single submitter. Criteria: Ambry Variant Classification Scheme 2023. Collection method: clinical testing. Allele origin: germline.
Comment: The p.L558H variant (also known as c.1673T>A), located in coding exon 14 of the BUB1B gene, results from a T to A substitution at nucleotide position 1673. The leucine at codon 558 is replaced by histidine, an amino acid with similar properties. This amino acid position is conserved. In addition, this alteration is predicted to be tolerated by in silico analysis. Based on the available evidence, the clinical significance of this variant remains unclear.

NM_001211.6(BUB1B):c.1673T>A (p.Leu558His)

Gene: BUB1B (BUB1 mitotic checkpoint serine/threonine kinase B; plus strand). Cytogenetic location: 15q15.1.
Variant type: single nucleotide variant.
Coding change: c.1673T>A on transcript NM_001211.6 (MANE Select); coding-DNA position 1673, T replaced by A.
Protein change: p.Leu558His; replaces leucine 558 with histidine.
Molecular consequence: missense variant.
Genome position (GRCh38, 1-based): chr15:40,202,633, T>A. VCF-style: chr15-40202633-T-A. GRCh37 (hg19) VCF-style: chr15-40494834-T-A.
Other names: short protein forms L558H.
Identifiers: ClinVar variation 3993753 (VCV003993753.2).
Genomic context (GRCh38, chr15:40,202,633, plus strand): 5'-GTATGTCTTTTTCCAGTCCTCCTGCAGATCCCCCACGAGTTTTAGCTCAACGAAGACCCC[T>A]TGCAGTTCTCAAAACCTCAGAAAGCATCACCTCAAATGAAGATGTGTCTCCAGATGTTTG-3'
Protein context (NP_001202.5, residues 548-568): PPRVLAQRRP[Leu558His]AVLKTSESIT